The following is an entry in ClinVar:

ClinVar aggregate classification (germline): Pathogenic (1 of 4 stars; one submission).

Conditions:
Methylcobalamin deficiency type cblG (HMAG). Also called: HOMOCYSTINURIA-MEGALOBLASTIC ANEMIA DUE TO DEFECT IN COBALAMIN METABOLISM, cblG COMPLEMENTATION TYPE; HOMOCYSTINURIA-MEGALOBLASTIC ANEMIA, cblG TYPE; HOMOCYSTINURIA-MEGALOBLASTIC ANEMIA, cblG COMPLEMENTATION TYPE; Functional methionine synthase deficiency type cblG. Identifiers: Orphanet 2170, Orphanet 622, MedGen C1855128, MONDO:0009609, OMIM 250940.

Submission:

Labcorp Genetics (formerly Invitae), Labcorp
Classification: Pathogenic for Methylcobalamin deficiency type cblG. Last evaluated: 2023-08-04. Review status: criteria provided, single submitter. Criteria: Invitae Variant Classification Sherloc (09022015). Collection method: clinical testing. Allele origin: germline.
Comment: This sequence change creates a premature translational stop signal (p.Ala128Leufs*5) in the MTR gene. It is expected to result in an absent or disrupted protein product. Loss-of-function variants in MTR are known to be pathogenic (PMID: 9683607, 12068375). The frequency data for this variant in the population databases is considered unreliable, as metrics indicate poor data quality at this position in the gnomAD database. This premature translational stop signal has been observed in individual(s) with MTR-related conditions (PMID: 12068375). For these reasons, this variant has been classified as Pathogenic.

Literature cited by the submitters: PubMed 9683607; PubMed 12068375.

NM_000254.3(MTR):c.381del (p.Ala128fs)

Gene: MTR (5-methyltetrahydrofolate-homocysteine methyltransferase; plus strand). Cytogenetic location: 1q43.
Variant type: Deletion.
Coding change: c.381del on transcript NM_000254.3 (MANE Select); coding-DNA position 381, one base deleted (A; older notation c.381delA).
Protein change: p.Ala128fs; shifts the reading frame from alanine 128.
Molecular consequence: frameshift variant. On other transcripts: 5 prime UTR variant (1).
Genome position (GRCh38, 1-based): chr1:236,808,745, A deleted; the last of 4 consecutive A bases (chr1:236,808,742-236,808,745); deleting any one gives the same sequence. VCF-style (leftmost placement, unchanged base first): chr1-236808741-GA-G. GRCh37 (hg19) VCF-style: chr1-236972041-GA-G.
Other names: c.381del, p.Ala128fs (NM_001291939.1, NM_001410942.1); c.-728del (NM_001291940.2); short protein forms A128fs.
Identifiers: ClinVar variation 2734111 (VCV002734111.3), dbSNP rs2527854627, ClinGen allele CA529532917.
Genomic context (GRCh38, chr1:236,808,741, plus strand): 5'-AACGTTTGTGGTTGATACGTTAGGCCTACCGGATGAACATGTGCTCTGCAGGAGTGGCCA[GA>G]AAAGCTGCCGAGGAGGTAACTCTCCAGACAGGTAGGGAATGTTCTTCTCTTTTTTTGCAC-3'